The following is an entry in ClinVar:

ClinVar aggregate classification (germline): Uncertain significance. Review status: criteria provided, multiple submitters, no conflicts (2 of 4 stars). 2 submissions from 2 submitters: Uncertain significance (2). Last evaluated 2022-05-20.

Conditions:
Inborn genetic diseases. Identifiers: MedGen C0950123, MeSH D030342.

Allele frequency attached by ClinVar (database versions not stated): TOPMed below 0.00001; ExAC 0.00002; ESP Exome Variant Server 0.00008; gnomAD exomes 0.00011.
gnomAD v4.1: 157 of 1,613,412 alleles (0.0097%); highest among the groups gnomAD compares: Non-Finnish European, 0.012%; no homozygotes.

Submissions (2):

Labcorp Genetics (formerly Invitae), Labcorp
Classification: Uncertain significance. Last evaluated: 2022-05-20. Review status: criteria provided, single submitter. Criteria: Invitae Variant Classification Sherloc (09022015). Collection method: clinical testing. Allele origin: germline.
Comment: This sequence change replaces valine, which is neutral and non-polar, with methionine, which is neutral and non-polar, at codon 116 of the PLOD3 protein (p.Val116Met). This variant is present in population databases (rs145634314, gnomAD 0.01%). This variant has not been reported in the literature in individuals affected with PLOD3-related conditions. Algorithms developed to predict the effect of missense changes on protein structure and function are either unavailable or do not agree on the potential impact of this missense change (SIFT: "Deleterious"; PolyPhen-2: "Probably Damaging"; Align-GVGD: "Class C15"). In summary, the available evidence is currently insufficient to determine the role of this variant in disease. Therefore, it has been classified as a Variant of Uncertain Significance.

Ambry Genetics
Classification: Uncertain significance for Inborn genetic diseases. Last evaluated: 2020-11-23. Review status: criteria provided, single submitter. Criteria: Ambry Variant Classification Scheme 2023. Collection method: clinical testing. Allele origin: germline.

NM_001084.5(PLOD3):c.346G>A (p.Val116Met)

Gene: PLOD3 (procollagen-lysine,2-oxoglutarate 5-dioxygenase 3; minus strand). Cytogenetic location: 7q22.1.
Variant type: single nucleotide variant.
Coding change: c.346G>A on transcript NM_001084.5 (MANE Select); coding-DNA position 346, G replaced by A.
Protein change: p.Val116Met; replaces valine 116 with methionine.
Molecular consequence: missense variant.
Genome position (GRCh38, 1-based): chr7:101,216,319, C>T on the plus strand (G>A on the coding strand, the complement: PLOD3 is on the minus strand). VCF-style: chr7-101216319-C-T. GRCh37 (hg19) VCF-style: chr7-100859600-C-T.
Other names: short protein forms V116M.
Identifiers: ClinVar variation 1921127 (VCV001921127.3), dbSNP rs145634314, ClinGen allele CA4408214.
Genomic context (GRCh38, chr7:101,216,319, plus strand): 5'-GGCGGCTGCCACTCTGGACGAACTTCTTCAGCAGCTCTGTGGGGCTGCCGGCCAGAATCA[C>T]GTCGTAGCTGGGTGAGGAAGGGGAGGATGGGCAGGGGTCCACTGGGAACCTCAGCATCCT-3'
Protein context (NP_001075.1, residues 106-126): MIIMFVDSYD[Val116Met]ILAGSPTELL